The following is an entry in ClinVar:

ClinVar aggregate classification (germline): Uncertain significance. Review status: criteria provided, multiple submitters, no conflicts (2 of 4 stars). 2 submissions from 2 submitters: Uncertain significance (2). Last evaluated 2022-08-23.

Conditions:
Emery-Dreifuss muscular dystrophy 4, autosomal dominant (EDMD4). Also called: EMERY-DREIFUSS MUSCULAR DYSTROPHY 4 WITH VARIABLE FEATURES. Identifiers: Orphanet 261, MedGen C2751807, MONDO:0013071, OMIM 612998.
Autosomal recessive ataxia, Beauce type. Also called: Spinocerebellar ataxia, autosomal recessive 8; ATAXIA, RECESSIVE, OF BEAUCE; SYNE1 Deficiency; SYNE1-Related Autosomal Recessive Cerebellar Ataxia. Identifiers: Orphanet 88644, MedGen C1853116, MONDO:0012549, OMIM 610743.
Inborn genetic diseases. Identifiers: MedGen C0950123, MeSH D030342.

Allele frequency attached by ClinVar (database versions not stated): TOPMed below 0.00001; gnomAD 0.00001; ESP Exome Variant Server 0.00008; ExAC 0.00013; gnomAD exomes 0.00014; 1000 Genomes Project 30x 0.00016; 1000 Genomes Project 0.00020.
gnomAD v4.1: 62 of 1,613,966 alleles (0.0038%); highest among the groups gnomAD compares: South Asian, 0.052%; no homozygotes.

Submissions (2):

Labcorp Genetics (formerly Invitae), Labcorp
Classification: Uncertain significance for Emery-Dreifuss muscular dystrophy 4, autosomal dominant; Autosomal recessive ataxia, Beauce type. Last evaluated: 2022-08-23. Review status: criteria provided, single submitter. Criteria: Invitae Variant Classification Sherloc (09022015). Collection method: clinical testing. Allele origin: germline.
Comment: This sequence change replaces serine, which is neutral and polar, with leucine, which is neutral and non-polar, at codon 6192 of the SYNE1 protein (p.Ser6192Leu). This variant is present in population databases (rs141196768, gnomAD 0.09%). This variant has not been reported in the literature in individuals affected with SYNE1-related conditions. ClinVar contains an entry for this variant (Variation ID: 1450641). Algorithms developed to predict the effect of missense changes on protein structure and function are either unavailable or do not agree on the potential impact of this missense change (SIFT: "Deleterious"; PolyPhen-2: "Benign"; Align-GVGD: "Class C15"). In summary, the available evidence is currently insufficient to determine the role of this variant in disease. Therefore, it has been classified as a Variant of Uncertain Significance.

Ambry Genetics
Classification: Uncertain significance for Inborn genetic diseases. Last evaluated: 2021-08-10. Review status: criteria provided, single submitter. Criteria: Ambry Variant Classification Scheme 2023. Collection method: clinical testing. Allele origin: germline.

NM_182961.4(SYNE1):c.18788C>T (p.Ser6263Leu)

Gene: SYNE1 (spectrin repeat containing nuclear envelope protein 1; minus strand). Cytogenetic location: 6q25.2.
Variant type: single nucleotide variant.
Coding change: c.18788C>T on transcript NM_182961.4 (MANE Select); coding-DNA position 18788, C replaced by T.
Protein change: p.Ser6263Leu; replaces serine 6263 with leucine.
Molecular consequence: missense variant.
Genome position (GRCh38, 1-based): chr6:152,268,083, G>A on the plus strand (C>T on the coding strand, the complement: SYNE1 is on the minus strand). VCF-style: chr6-152268083-G-A. GRCh37 (hg19) VCF-style: chr6-152589218-G-A.
Other names: c.18575C>T, p.Ser6192Leu (NM_033071.5); c.18575C>T (NM_033071.3); short protein forms S6263L, S6192L.
Identifiers: ClinVar variation 1450641 (VCV001450641.6), dbSNP rs141196768, ClinGen allele CA4054855.